The following is an entry in ClinVar:

NM_206933.4(USH2A):c.15479A>G (p.Asn5160Ser)

Gene: USH2A (usherin; minus strand). Cytogenetic location: 1q41.
Variant type: single nucleotide variant.
Coding change: c.15479A>G on transcript NM_206933.4 (MANE Select); coding-DNA position 15479, A replaced by G.
Protein change: p.Asn5160Ser; replaces asparagine 5160 with serine.
Molecular consequence: missense variant.
Genome position (GRCh38, 1-based): chr1:215,628,854, T>C on the plus strand (A>G on the coding strand, the complement: USH2A is on the minus strand). VCF-style: chr1-215628854-T-C. GRCh37 (hg19) VCF-style: chr1-215802196-T-C.
Other names: c.15479A>G (NM_206933.2); short protein forms N5160S.
Identifiers: ClinVar variation 2163016 (VCV002163016.4), dbSNP rs1339774081, ClinGen allele CA344820641.

ClinVar aggregate classification (germline): Uncertain significance. Review status: criteria provided, multiple submitters, no conflicts (2 of 4 stars). 4 submissions from 3 submitters: Uncertain significance (4). Last evaluated 2023-11-04.

Conditions:
Inborn genetic diseases. Identifiers: MedGen C0950123, MeSH D030342.
Retinitis pigmentosa 39 (RP39). Identifiers: Orphanet 791, MedGen C3151138, MONDO:0013436, OMIM 613809.
Usher syndrome type 2A. Also called: RETINAL DISEASE IN USHER SYNDROME TYPE IIA, MODIFIER OF; USHER SYNDROME, TYPE IIA. Identifiers: Orphanet 231178, Orphanet 886, MedGen C1848634, MONDO:0010169, OMIM 276901.

Allele frequency attached by ClinVar (database versions not stated): gnomAD exomes below 0.00001; TOPMed below 0.00001; gnomAD 0.00001.
gnomAD v4.1: 13 of 1,613,952 alleles (0.00081%); highest among the groups gnomAD compares: Admixed American, 0.0033%; no homozygotes.

Submissions (4):

Genome-Nilou Lab
Classification: Uncertain significance for Retinitis pigmentosa 39. Last evaluated: 2023-11-04. Review status: criteria provided, single submitter. Criteria: ACMG Guidelines, 2015. Collection method: clinical testing. Allele origin: germline. Affected: no.

Genome-Nilou Lab
Classification: Uncertain significance for Usher syndrome type 2A. Last evaluated: 2023-11-04. Review status: criteria provided, single submitter. Criteria: ACMG Guidelines, 2015. Collection method: clinical testing. Allele origin: germline. Affected: no.

Ambry Genetics
Classification: Uncertain significance for Inborn genetic diseases. Last evaluated: 2023-04-18. Review status: criteria provided, single submitter. Criteria: Ambry Variant Classification Scheme 2023. Collection method: clinical testing. Allele origin: germline.

Labcorp Genetics (formerly Invitae), Labcorp
Classification: Uncertain significance. Last evaluated: 2022-06-08. Review status: criteria provided, single submitter. Criteria: Invitae Variant Classification Sherloc (09022015). Collection method: clinical testing. Allele origin: germline.
Comment: This sequence change replaces asparagine, which is neutral and polar, with serine, which is neutral and polar, at codon 5160 of the USH2A protein (p.Asn5160Ser). This variant is present in population databases (no rsID available, gnomAD 0.003%). This variant has not been reported in the literature in individuals affected with USH2A-related conditions. Algorithms developed to predict the effect of missense changes on protein structure and function output the following: SIFT: "Deleterious"; PolyPhen-2: "Benign"; Align-GVGD: "Class C0". The serine amino acid residue is found in multiple mammalian species, which suggests that this missense change does not adversely affect protein function. In summary, the available evidence is currently insufficient to determine the role of this variant in disease. Therefore, it has been classified as a Variant of Uncertain Significance.